The following is an entry in ClinVar:

NM_014639.4(SKIC3):c.1708C>G (p.Arg570Gly)

Gene: SKIC3 (SKI3 subunit of superkiller complex; minus strand). Cytogenetic location: 5q15.
Variant type: single nucleotide variant.
Coding change: c.1708C>G on transcript NM_014639.4 (MANE Select); coding-DNA position 1708, C replaced by G.
Protein change: p.Arg570Gly; replaces arginine 570 with glycine.
Molecular consequence: missense variant.
Genome position (GRCh38, 1-based): chr5:95,523,251, G>C on the plus strand (C>G on the coding strand, the complement: SKIC3 is on the minus strand). VCF-style: chr5-95523251-G-C. GRCh37 (hg19) VCF-style: chr5-94858955-G-C.
Other names: short protein forms R570G.
Identifiers: ClinVar variation 2170855 (VCV002170855.2), dbSNP rs768215813, ClinGen allele CA3347268.

ClinVar aggregate classification (germline): Uncertain significance (1 of 4 stars; one submission).

gnomAD v4.1: 9 of 1,613,680 alleles (0.00056%); highest among the groups gnomAD compares: Non-Finnish European, 0.00076%; no homozygotes.

Submission:

Labcorp Genetics (formerly Invitae), Labcorp
Classification: Uncertain significance. Last evaluated: 2025-07-02. Review status: criteria provided, single submitter. Criteria: Invitae Variant Classification Sherloc (09022015). Collection method: clinical testing. Allele origin: germline.
Comment: This sequence change replaces arginine, which is basic and polar, with glycine, which is neutral and non-polar, at codon 570 of the TTC37 protein (p.Arg570Gly). The frequency data for this variant in the population databases is considered unreliable, as metrics indicate poor data quality at this position in the gnomAD database. This variant has not been reported in the literature in individuals affected with TTC37-related conditions. ClinVar contains an entry for this variant (Variation ID: 2170855). An algorithm developed to predict the effect of missense changes on protein structure and function (PolyPhen-2) suggests that this variant is likely to be disruptive. Algorithms developed to predict the effect of sequence changes on RNA splicing suggest that this variant may disrupt the consensus splice site. In summary, the available evidence is currently insufficient to determine the role of this variant in disease. Therefore, it has been classified as a Variant of Uncertain Significance.